The following is an entry in ClinVar:

ClinVar aggregate classification (germline): Conflicting classifications of pathogenicity. Review status: criteria provided, conflicting classifications (1 of 4 stars). 3 submissions from 3 submitters: Uncertain significance (1); Likely benign (2). Last evaluated 2026-01-11.

Conditions:
Encephalopathy-hypertrophic cardiomyopathy-renal tubular disease syndrome. Identifiers: Orphanet 319678, MedGen C3553374, MONDO:0013840, OMIM 614654.

Allele frequency attached by ClinVar (database versions not stated): TOPMed below 0.00001; ExAC 0.00002; gnomAD exomes 0.00002 and 0.00003; gnomAD 0.00004; 1000 Genomes Project 30x 0.00016; 1000 Genomes Project 0.00020.

Submissions (3):

Labcorp Genetics (formerly Invitae), Labcorp
Classification: Likely benign. Last evaluated: 2026-01-11. Review status: criteria provided, single submitter. Criteria: Invitae Variant Classification Sherloc (09022015). Collection method: clinical testing. Allele origin: germline.

Illumina Laboratory Services, Illumina
Classification: Uncertain significance for Encephalopathy-hypertrophic cardiomyopathy-renal tubular disease syndrome. Last evaluated: 2018-01-13. Review status: criteria provided, single submitter. Criteria: ICSL Variant Classification Criteria 13 December 2019. Collection method: clinical testing. Allele origin: germline.

GeneDx
Classification: Likely benign. Last evaluated: 2016-05-09. Review status: criteria provided, single submitter. Criteria: GeneDx Variant Classification (06012015). Collection method: clinical testing. Allele origin: germline. Affected: yes.
Comment: This variant is considered likely benign or benign based on one or more of the following criteria: it is a conservative change, it occurs at a poorly conserved position in the protein, it is predicted to be benign by multiple in silico algorithms, and/or has population frequency not consistent with disease.

NM_020312.4(COQ9):c.315G>A (p.Thr105=)

Gene: COQ9 (coenzyme Q9; plus strand). Cytogenetic location: 16q21.
Variant type: single nucleotide variant.
Coding change: c.315G>A on transcript NM_020312.4 (MANE Select); coding-DNA position 315, G replaced by A.
Protein change: p.Thr105=; no amino-acid change (threonine 105 retained).
Molecular consequence: synonymous variant.
Genome position (GRCh38, 1-based): chr16:57,452,873, G>A. VCF-style: chr16-57452873-G-A. GRCh37 (hg19) VCF-style: chr16-57486785-G-A.
Identifiers: ClinVar variation 320007 (VCV000320007.9), dbSNP rs201238241, ClinGen allele CA8076150.